The following is an entry in ClinVar:

ClinVar aggregate classification (germline): Pathogenic (1 of 4 stars; one submission).

Submission:

Labcorp Genetics (formerly Invitae), Labcorp
Classification: Pathogenic. Last evaluated: 2022-06-24. Review status: criteria provided, single submitter. Criteria: Invitae Variant Classification Sherloc (09022015). Collection method: clinical testing. Allele origin: germline.
Comment: This variant is not present in population databases (gnomAD no frequency). This sequence change creates a premature translational stop signal (p.Glu426*) in the ACAD9 gene. It is expected to result in an absent or disrupted protein product. Loss-of-function variants in ACAD9 are known to be pathogenic (PMID: 25721401). This variant has not been reported in the literature in individuals affected with ACAD9-related conditions. For these reasons, this variant has been classified as Pathogenic.

Literature cited by the submitters: PubMed 25721401.

NM_014049.5(ACAD9):c.1276G>T (p.Glu426Ter)

Gene: ACAD9 (acyl-CoA dehydrogenase family member 9; plus strand). Cytogenetic location: 3q21.3.
Variant type: single nucleotide variant.
Coding change: c.1276G>T on transcript NM_014049.5 (MANE Select); coding-DNA position 1276, G replaced by T.
Protein change: p.Glu426Ter; replaces glutamic acid 426 with a stop codon.
Molecular consequence: nonsense. On other transcripts: non-coding transcript variant (1).
Genome position (GRCh38, 1-based): chr3:128,906,247, G>T. VCF-style: chr3-128906247-G-T. GRCh37 (hg19) VCF-style: chr3-128625090-G-T.
Other names: c.907G>T, p.Glu303Ter (NM_001410805.1); short protein forms E303*, E426*.
Identifiers: ClinVar variation 2010027 (VCV002010027.4), dbSNP rs551295909, ClinGen allele CA354437306.